The following is an entry in ClinVar:

NM_022552.5(DNMT3A):c.1675T>C (p.Cys559Arg)

Gene: DNMT3A (DNA methyltransferase 3 alpha; minus strand). Cytogenetic location: 2p23.3.
Variant type: single nucleotide variant.
Coding change: c.1675T>C on transcript NM_022552.5 (MANE Select); coding-DNA position 1675, T replaced by C.
Protein change: p.Cys559Arg; replaces cysteine 559 with arginine.
Molecular consequence: missense variant. On other transcripts: non-coding transcript variant (1).
Genome position (GRCh38, 1-based): chr2:25,244,331, A>G on the plus strand (T>C on the coding strand, the complement: DNMT3A is on the minus strand). VCF-style: chr2-25244331-A-G. GRCh37 (hg19) VCF-style: chr2-25467200-A-G.
Other names: c.1219T>C, p.Cys407Arg (NM_001320893.1); c.1006T>C, p.Cys336Arg (NM_001375819.1); c.1108T>C, p.Cys370Arg (NM_153759.3); c.1675T>C, p.Cys559Arg (NM_175629.2); short protein forms C336R, C370R, C407R, C559R.
Identifiers: ClinVar variation 1719673 (VCV001719673.6), dbSNP rs2465475600, ClinGen allele CA346072026.

ClinVar aggregate classification (germline): Uncertain significance (1 of 4 stars; one submission).

Conditions:
Tatton-Brown-Rahman overgrowth syndrome. Also called: Tall stature-intellectual disability-facial dysmorphism syndrome; Tatton-Brown-Rahman syndrome. Identifiers: Orphanet 404443, MedGen C4014545, MONDO:0014382, OMIM 615879.

Allele frequency attached by ClinVar (database versions not stated): gnomAD exomes below 0.00001.
gnomAD v4.1: 1 of 1,605,342 alleles (0.000062%); highest among the groups gnomAD compares: Non-Finnish European, 0.000085%; no homozygotes.

Submission:

Labcorp Genetics (formerly Invitae), Labcorp
Classification: Uncertain significance for Tatton-Brown-Rahman overgrowth syndrome. Last evaluated: 2023-08-04. Review status: criteria provided, single submitter. Criteria: Invitae Variant Classification Sherloc (09022015). Collection method: clinical testing. Allele origin: germline.
Comment: In summary, the available evidence is currently insufficient to determine the role of this variant in disease. Therefore, it has been classified as a Variant of Uncertain Significance. Advanced modeling of protein sequence and biophysical properties (such as structural, functional, and spatial information, amino acid conservation, physicochemical variation, residue mobility, and thermodynamic stability) performed at Invitae indicates that this missense variant is expected to disrupt DNMT3A protein function. ClinVar contains an entry for this variant (Variation ID: 1719673). This variant has not been reported in the literature in individuals affected with DNMT3A-related conditions. This variant is not present in population databases (gnomAD no frequency). This sequence change replaces cysteine, which is neutral and slightly polar, with arginine, which is basic and polar, at codon 559 of the DNMT3A protein (p.Cys559Arg).